The following is an entry in ClinVar:

ClinVar aggregate classification (germline): Uncertain significance (1 of 4 stars; one submission).

Submission:

GeneDx
Classification: Uncertain significance. Last evaluated: 2023-09-26. Review status: criteria provided, single submitter. Criteria: GeneDx Variant Classification Process June 2021. Collection method: clinical testing. Allele origin: germline. Affected: yes.
Comment: Not observed at significant frequency in large population cohorts (gnomAD); In silico analysis supports that this missense variant has a deleterious effect on protein structure/function; Has not been previously published as pathogenic or benign to our knowledge

NM_144498.4(OSBPL2):c.1169A>C (p.Glu390Ala)

Gene: OSBPL2 (oxysterol binding protein like 2; plus strand). Cytogenetic location: 20q13.33.
Variant type: single nucleotide variant.
Coding change: c.1169A>C on transcript NM_144498.4 (MANE Select); coding-DNA position 1169, A replaced by C.
Protein change: p.Glu390Ala; replaces glutamic acid 390 with alanine.
Molecular consequence: missense variant. On other transcripts: intron variant (1).
Genome position (GRCh38, 1-based): chr20:62,289,250, A>C. VCF-style: chr20-62289250-A-C. GRCh37 (hg19) VCF-style: chr20-60864306-A-C.
Other names: c.893A>C, p.Glu298Ala (NM_001363878.2); c.1133A>C, p.Glu378Ala (NM_014835.5); c.850-2453A>C (NM_001278649.3); short protein forms E298A, E378A, E390A.
Identifiers: ClinVar variation 2581747 (VCV002581747.1), dbSNP rs2516559784, ClinGen allele CA409520509.